The following is an entry in ClinVar:

ClinVar aggregate classification (germline): Likely benign. Review status: criteria provided, multiple submitters, no conflicts (2 of 4 stars). 2 submissions from 2 submitters: Likely benign (2). Last evaluated 2026-07-01.

Allele frequency attached by ClinVar (database versions not stated): gnomAD 0.00003 and 0.00008; ExAC 0.00011; gnomAD exomes 0.00013; ESP Exome Variant Server 0.00017; TOPMed 0.00017.
gnomAD v4.1: 120 of 1,611,528 alleles (0.0074%); highest among the groups gnomAD compares: East Asian, 0.078%; 2 homozygotes.

Submissions (2):

CeGaT Center for Human Genetics Tuebingen
Classification: Likely benign. Last evaluated: 2026-07-01. Review status: criteria provided, single submitter. Criteria: CeGaT Center For Human Genetics Tuebingen Variant Classification Criteria Version 2. Collection method: clinical testing. Allele origin: germline. Affected: yes. Observed: 1 variant allele.
Comment: LRRK1: BP4, BP7

Labcorp Genetics (formerly Invitae), Labcorp
Classification: Likely benign. Last evaluated: 2025-08-25. Review status: criteria provided, single submitter. Criteria: Invitae Variant Classification Sherloc (09022015). Collection method: clinical testing. Allele origin: germline.

NM_024652.6(LRRK1):c.1104C>T (p.Phe368=)

Gene: LRRK1 (leucine rich repeat kinase 1; plus strand). Cytogenetic location: 15q26.3.
Variant type: single nucleotide variant.
Coding change: c.1104C>T on transcript NM_024652.6 (MANE Select); coding-DNA position 1104, C replaced by T.
Protein change: p.Phe368=; no amino-acid change (phenylalanine 368 retained).
Molecular consequence: synonymous variant.
Genome position (GRCh38, 1-based): chr15:101,010,564, C>T. VCF-style: chr15-101010564-C-T. GRCh37 (hg19) VCF-style: chr15-101550769-C-T.
Identifiers: ClinVar variation 1551175 (VCV001551175.9), dbSNP rs375815703, ClinGen allele CA7760787.